The following is an entry in ClinVar:

NM_014264.5(PLK4):c.2513T>G (p.Val838Gly)

Gene: PLK4 (polo like kinase 4; plus strand). Cytogenetic location: 4q28.1.
Variant type: single nucleotide variant.
Coding change: c.2513T>G on transcript NM_014264.5 (MANE Select); coding-DNA position 2513, T replaced by G.
Protein change: p.Val838Gly; replaces valine 838 with glycine.
Molecular consequence: missense variant.
Genome position (GRCh38, 1-based): chr4:127,893,832, T>G. VCF-style: chr4-127893832-T-G. GRCh37 (hg19) VCF-style: chr4-128814987-T-G.
Other names: c.2417T>G, p.Val806Gly (NM_001190799.2); c.2390T>G, p.Val797Gly (NM_001190801.2); short protein forms V806G, V838G, V797G.
Identifiers: ClinVar variation 1469689 (VCV001469689.6), dbSNP rs2148823517, ClinGen allele CA358162727.

ClinVar aggregate classification (germline): Uncertain significance (1 of 4 stars; one submission).

Submission:

Labcorp Genetics (formerly Invitae), Labcorp
Classification: Uncertain significance. Last evaluated: 2022-05-04. Review status: criteria provided, single submitter. Criteria: Invitae Variant Classification Sherloc (09022015). Collection method: clinical testing. Allele origin: germline.
Comment: In summary, the available evidence is currently insufficient to determine the role of this variant in disease. Therefore, it has been classified as a Variant of Uncertain Significance. Algorithms developed to predict the effect of missense changes on protein structure and function (SIFT, PolyPhen-2, Align-GVGD) all suggest that this variant is likely to be tolerated. This variant has not been reported in the literature in individuals affected with PLK4-related conditions. This variant is not present in population databases (gnomAD no frequency). This sequence change replaces valine, which is neutral and non-polar, with glycine, which is neutral and non-polar, at codon 838 of the PLK4 protein (p.Val838Gly).